The following is an entry in ClinVar:

ClinVar aggregate classification (germline): Likely pathogenic (1 of 4 stars; one submission).

Conditions:
Primary ciliary dyskinesia. Also called: Ciliary dyskinesia. Identifiers: Orphanet 244, MedGen C0008780, MONDO:0016575, HP:0012265.

Submission:

Natera, Inc.
Classification: Likely pathogenic for Primary ciliary dyskinesia. Last evaluated: 2024-07-22. Review status: criteria provided, single submitter. Criteria: Natera Variant Classification Schema (03/2026). Collection method: clinical testing. Allele origin: germline.
Comment: The c.1887_1888del variant in DNAI1 is a frameshift variant predicted to shift the reading frame beginning at codon 630 and leads to a stop codon 19 codons downstream. This variant is expected to result in nonsense mediated decay, truncation, or a dysfunctional protein product. This variant is rare in the general population with a frequency below the threshold expected for the associated phenotype(s). Given the available evidence, this variant is classified as Likely Pathogenic.

NM_012144.4(DNAI1):c.1887_1888del (p.Asn630fs)

Gene: DNAI1 (dynein axonemal intermediate chain 1; plus strand). Cytogenetic location: 9p13.3.
Variant type: Deletion.
Coding change: c.1887_1888del on transcript NM_012144.4 (MANE Select); coding-DNA positions 1887 to 1888, 2 bases deleted (GA; older notation c.1887_1888delGA).
Protein change: p.Asn630fs; shifts the reading frame from asparagine 630.
Molecular consequence: frameshift variant.
Genome position (GRCh38, 1-based): chr9:34,517,353-34,517,354, GA deleted; deleting any 2 consecutive bases within chr9:34,517,352-34,517,354 gives the same sequence; the c. name uses the placement nearest the transcript's 3' end. VCF-style (leftmost placement, unchanged base first): chr9-34517351-AAG-A. GRCh37 (hg19) VCF-style: chr9-34517349-AAG-A.
Other names: c.1899_1900del, p.Asn634fs (NM_001281428.2); short protein forms N630fs, N634fs.
Identifiers: ClinVar variation 4815542 (VCV004815542.1).